The following is an entry in ClinVar:

NM_001360016.2(G6PD):c.971A>G (p.Asp324Gly)

Gene: G6PD (glucose-6-phosphate dehydrogenase; minus strand). Cytogenetic location: Xq28.
Variant type: single nucleotide variant.
Coding change: c.971A>G on transcript NM_001360016.2 (MANE Select); coding-DNA position 971, A replaced by G.
Protein change: p.Asp324Gly; replaces aspartic acid 324 with glycine.
Molecular consequence: missense variant.
Genome position (GRCh38, 1-based): chrX:154,533,022, T>C on the plus strand (A>G on the coding strand, the complement: G6PD is on the minus strand). VCF-style: chrX-154533022-T-C. GRCh37 (hg19) VCF-style: chrX-153761237-T-C.
Other names: c.1061A>G, p.Asp354Gly (NM_000402.4); c.971A>G, p.Asp324Gly (NM_001042351.3); short protein forms D324G, D354G.
Identifiers: ClinVar variation 2155795 (VCV002155795.4), dbSNP rs2523263841, ClinGen allele CA415234528.
Genomic context (GRCh38, chrX:154,533,022, plus strand): 5'-ACATAGAGGACGACGGCTGCAAAAGTGGCGGTGGTGGACCCGCGGGGCACCGTGGGGTCG[T>C]CCAGGTACCCTTTGGTGGCCTCGCCCTCTCCATCGGGGTTCCCCACGTACTGGCCCAGGA-3'
Protein context (NP_001346945.1, residues 314-334): GEGEATKGYL[Asp324Gly]DPTVPRGSTT

ClinVar aggregate classification (germline): Uncertain significance (1 of 4 stars; one submission).

Conditions:
Anemia, nonspherocytic hemolytic, due to G6PD deficiency (CNSHA1). Also called: Class I glucose-6-phosphate dehydrogenase deficiency; Favism, susceptibility to; ANEMIA, CONGENITAL, NONSPHEROCYTIC HEMOLYTIC, 1; Hemolytic anemia due to G6PD deficiency. Identifiers: Orphanet 466026, MedGen C2720289, MONDO:0010480, OMIM 300908.

Submission:

Labcorp Genetics (formerly Invitae), Labcorp
Classification: Uncertain significance for Anemia, nonspherocytic hemolytic, due to G6PD deficiency. Last evaluated: 2022-01-03. Review status: criteria provided, single submitter. Criteria: Invitae Variant Classification Sherloc (09022015). Collection method: clinical testing. Allele origin: germline.
Comment: This sequence change replaces aspartic acid, which is acidic and polar, with glycine, which is neutral and non-polar, at codon 324 of the G6PD protein (p.Asp324Gly). In summary, the available evidence is currently insufficient to determine the role of this variant in disease. Therefore, it has been classified as a Variant of Uncertain Significance. Advanced modeling of protein sequence and biophysical properties (such as structural, functional, and spatial information, amino acid conservation, physicochemical variation, residue mobility, and thermodynamic stability) performed at Invitae indicates that this missense variant is expected to disrupt G6PD protein function. This variant has not been reported in the literature in individuals affected with G6PD-related conditions. This variant is not present in population databases (gnomAD no frequency).